The following is an entry in ClinVar:

ClinVar aggregate classification (germline): Likely benign. Review status: criteria provided, multiple submitters, no conflicts (2 of 4 stars). 2 submissions from 2 submitters: Likely benign (2). Last evaluated 2026-06-01.

Conditions:
Autoimmune interstitial lung disease-arthritis syndrome. Also called: Autoinflammation and autoimmunity, systemic, with immune dysregulation. Identifiers: Orphanet 444092, MedGen C5975714, MONDO:0014629.

Allele frequency attached by ClinVar (database versions not stated): gnomAD 0.00001; gnomAD exomes 0.00002 and 0.00005; TOPMed 0.00002; ExAC 0.00007.
gnomAD v4.1: 15 of 1,611,166 alleles (0.00093%); highest among the groups gnomAD compares: Admixed American, 0.023%; no homozygotes.

Submissions (2):

CeGaT Center for Human Genetics Tuebingen
Classification: Likely benign. Last evaluated: 2026-06-01. Review status: criteria provided, single submitter. Criteria: CeGaT Center For Human Genetics Tuebingen Variant Classification Criteria Version 2. Collection method: clinical testing. Allele origin: germline. Affected: yes. Observed: 1 variant allele.
Comment: COPA: BP4, BP7

Labcorp Genetics (formerly Invitae), Labcorp
Classification: Likely benign for Autoimmune interstitial lung disease-arthritis syndrome. Last evaluated: 2025-12-16. Review status: criteria provided, single submitter. Criteria: Invitae Variant Classification Sherloc (09022015). Collection method: clinical testing. Allele origin: germline.

NM_004371.4(COPA):c.312A>G (p.Glu104=)

Gene: COPA (coat protein complex I subunit alpha; minus strand). Cytogenetic location: 1q23.2.
Variant type: single nucleotide variant.
Coding change: c.312A>G on transcript NM_004371.4 (MANE Select); coding-DNA position 312, A replaced by G.
Protein change: p.Glu104=; no amino-acid change (glutamic acid 104 retained).
Molecular consequence: synonymous variant.
Genome position (GRCh38, 1-based): chr1:160,333,677, T>C on the plus strand (A>G on the coding strand, the complement: COPA is on the minus strand). VCF-style: chr1-160333677-T-C. GRCh37 (hg19) VCF-style: chr1-160303467-T-C.
Other names: c.312A>G, p.Glu104= (NM_001098398.2).
Identifiers: ClinVar variation 1639371 (VCV001639371.10), dbSNP rs757452633, ClinGen allele CA1198397.